The following is an entry in ClinVar:

ClinVar aggregate classification (germline): Benign (1 of 4 stars; one submission).

Conditions:
Cataract 15 multiple types. Also called: CATARACT 15, LAMELLAR WITH SUTURAL OPACITIES. Identifiers: Orphanet 91492, MedGen C3809001, MONDO:0014110, OMIM 615274.

Allele frequency attached by ClinVar (database versions not stated): 1000 Genomes Project 0.00100; 1000 Genomes Project 30x 0.00141; gnomAD 0.00206 and 0.00210; TOPMed 0.00222.

Submission:

Illumina Laboratory Services, Illumina
Classification: Benign for Cataract 15 multiple types. Last evaluated: 2018-01-13. Review status: criteria provided, single submitter. Criteria: ICSL Variant Classification Criteria 13 December 2019. Collection method: clinical testing. Allele origin: germline.
Comment: This variant was observed in the ICSL laboratory as part of a predisposition screen in an ostensibly healthy population. It had not been previously curated by ICSL or reported in the Human Gene Mutation Database (HGMD: prior to June 1st, 2018), and was therefore a candidate for classification through an automated scoring system. Utilizing variant allele frequency, disease prevalence and penetrance estimates, and inheritance mode, an automated score was calculated to assess if this variant is too frequent to cause the disease. Based on the score and internal cut-off values, a variant classified as benign is not then subjected to further curation. The score for this variant resulted in a classification of benign for this disease.

NM_012064.4(MIP):c.*799A>G

Gene: MIP (major intrinsic protein of lens fiber; minus strand). Cytogenetic location: 12q13.3.
Variant type: single nucleotide variant.
Coding change: c.*799A>G on transcript NM_012064.4 (MANE Select); 799 bases downstream of the stop codon, A replaced by G.
Molecular consequence: 3 prime UTR variant.
Genome position (GRCh38, 1-based): chr12:56,450,481, T>C on the plus strand (A>G on the coding strand, the complement: MIP is on the minus strand). VCF-style: chr12-56450481-T-C. GRCh37 (hg19) VCF-style: chr12-56844265-T-C.
Identifiers: ClinVar variation 309868 (VCV000309868.5), dbSNP rs140453442, ClinGen allele CA10638146.